The following is an entry in ClinVar:

NM_001377295.2(GNAT2):c.101T>C (p.Val34Ala)

Gene: GNAT2 (G protein subunit alpha transducin 2; minus strand). Cytogenetic location: 1p13.3.
Variant type: single nucleotide variant.
Coding change: c.101T>C on transcript NM_001377295.2 (MANE Select); coding-DNA position 101, T replaced by C.
Protein change: p.Val34Ala; replaces valine 34 with alanine.
Molecular consequence: missense variant.
Genome position (GRCh38, 1-based): chr1:109,612,770, A>G on the plus strand (T>C on the coding strand, the complement: GNAT2 is on the minus strand). VCF-style: chr1-109612770-A-G. GRCh37 (hg19) VCF-style: chr1-110155392-A-G.
Other names: c.101T>C, p.Val34Ala (NM_001379232.1, NM_005272.5); short protein forms V34A.
Identifiers: ClinVar variation 851214 (VCV000851214.9), dbSNP rs1287913823, ClinGen allele CA341543208.

ClinVar aggregate classification (germline): Uncertain significance (1 of 4 stars; one submission).

Allele frequency attached by ClinVar (database versions not stated): gnomAD exomes below 0.00001 and 0.00001.

Submission:

Labcorp Genetics (formerly Invitae), Labcorp
Classification: Uncertain significance. Last evaluated: 2019-11-20. Review status: criteria provided, single submitter. Criteria: Invitae Variant Classification Sherloc (09022015). Collection method: clinical testing. Allele origin: germline.
Comment: This sequence change replaces valine with alanine at codon 34 of the GNAT2 protein (p.Val34Ala). The valine residue is moderately conserved and there is a small physicochemical difference between valine and alanine. In summary, the available evidence is currently insufficient to determine the role of this variant in disease. Therefore, it has been classified as a Variant of Uncertain Significance. Algorithms developed to predict the effect of missense changes on protein structure and function are either unavailable or do not agree on the potential impact of this missense change (SIFT: "Deleterious"; PolyPhen-2: "Possibly Damaging"; Align-GVGD: "Class C0"). This variant has not been reported in the literature in individuals with GNAT2-related conditions. This variant is not present in population databases (ExAC no frequency).